The following is an entry in ClinVar:

ClinVar aggregate classification (germline): Uncertain significance (1 of 4 stars; one submission).

Conditions:
Hereditary cancer-predisposing syndrome. Also called: Neoplastic Syndromes, Hereditary; Tumor predisposition; Hereditary neoplastic syndrome; Hereditary Cancer Syndrome. Identifiers: Orphanet 140162, MedGen C0027672, MeSH D009386, MONDO:0015356.

gnomAD v4.1: 2 of 1,613,876 alleles (0.00012%); highest among the groups gnomAD compares: Non-Finnish European, 0.00017%; no homozygotes.

Submission:

Ambry Genetics
Classification: Uncertain significance for Hereditary cancer-predisposing syndrome. Last evaluated: 2026-07-07. Review status: criteria provided, single submitter. Criteria: Ambry Variant Classification Scheme 2023. Collection method: clinical testing. Allele origin: germline.
Comment: The p.Q73L variant (also known as c.218A>T), located in coding exon 4 of the MAX gene, results from an A to T substitution at nucleotide position 218. The glutamine at codon 73 is replaced by leucine, an amino acid with dissimilar properties. This amino acid position is conserved. In addition, this alteration is predicted to be tolerated by in silico analysis. Based on the available evidence, the clinical significance of this variant remains unclear.

NM_002382.5(MAX):c.172-6217A>T

Gene: MAX (MYC associated transcriptional regulator X; minus strand). Cytogenetic location: 14q23.3.
Variant type: single nucleotide variant.
Coding change: c.172-6217A>T on transcript NM_002382.5 (MANE Select); 6217 bases into the intron before coding-DNA position 172, A replaced by T.
Molecular consequence: intron variant. On other transcripts: missense variant (3), nonsense (1), non-coding transcript variant (4).
Genome position (GRCh38, 1-based): chr14:65,084,253, T>A on the plus strand (A>T on the coding strand, the complement: MAX is on the minus strand). VCF-style: chr14-65084253-T-A. GRCh37 (hg19) VCF-style: chr14-65550971-T-A.
Other names: c.191A>T, p.Gln64Leu (NM_001271068.2, NM_001407113.1); c.241A>T, p.Lys81Ter (NM_001407114.1); c.218A>T, p.Gln73Leu (NM_145114.3); c.144+9455A>T (NM_001271069.2); c.171+9455A>T (NM_197957.4); c.-196-6217A>T (NM_001407112.1, NM_001407111.1); c.-103-6217A>T (NM_001407106.1, NM_001407107.1, NM_001407105.1 and 1 more transcripts); c.145-6217A>T (NM_001407095.1, NM_001407110.1, NM_001407102.1 and 6 more transcripts); and 2 more; short protein forms Q73L, K81*, Q64L.
Identifiers: ClinVar variation 5023976 (VCV005023976.1).